The following is an entry in ClinVar:

ClinVar aggregate classification (germline): Conflicting classifications of pathogenicity. Review status: criteria provided, conflicting classifications (1 of 4 stars). 9 submissions from 9 submitters: Uncertain significance (5); Likely benign (3). 1 of the submissions does not count toward it. Last evaluated 2026-08-01.

Conditions:
MFSD8-related disorder. Also called: MFSD8-related condition.
Neuronal ceroid lipofuscinosis 7 (CLN7). Also called: MFSD8-Related Neuronal Ceroid-Lipofuscinosis. Identifiers: Orphanet 168491, Orphanet 228366, MedGen C1838571, MONDO:0012588, OMIM 610951.
Inborn genetic diseases. Identifiers: MedGen C0950123, MeSH D030342.

Allele frequency attached by ClinVar (database versions not stated): gnomAD 0.00013 and 0.00016; ESP Exome Variant Server 0.00015; gnomAD exomes 0.00015 and 0.00031; TOPMed 0.00025; ExAC 0.00027; 1000 Genomes Project 30x 0.00031; 1000 Genomes Project 0.00040.
gnomAD v4.1: 245 of 1,614,108 alleles (0.015%); highest among the groups gnomAD compares: East Asian, 0.37%; 1 homozygote.

Submissions (9):

CeGaT Center for Human Genetics Tuebingen
Classification: Likely benign. Last evaluated: 2026-08-01. Review status: criteria provided, single submitter. Criteria: CeGaT Center For Human Genetics Tuebingen Variant Classification Criteria Version 2. Collection method: clinical testing. Allele origin: germline. Affected: yes. Observed: 1 variant allele.
Comment: MFSD8: BP4

Labcorp Genetics (formerly Invitae), Labcorp
Classification: Likely benign for Neuronal ceroid lipofuscinosis 7. Last evaluated: 2026-01-28. Review status: criteria provided, single submitter. Criteria: Invitae Variant Classification Sherloc (09022015). Collection method: clinical testing. Allele origin: germline.

Blueprint Genetics
Classification: Likely benign. Last evaluated: 2024-11-20. Review status: criteria provided, single submitter. Criteria: ACMG Guidelines, 2015. Collection method: clinical testing. Allele origin: germline.

GeneDx
Classification: Uncertain significance. Last evaluated: 2021-04-09. Review status: criteria provided, single submitter. Criteria: GeneDx Variant Classification Process June 2021. Collection method: clinical testing. Allele origin: germline. Affected: yes.
Comment: Variant identified in individual with juvenile myoclonic epilepsy and febrile seizures; however, several other variants in other genes were also identified including a likely pathogenic variant in SZT2 (Lee et al., 2018); In silico analysis supports that this missense variant has a deleterious effect on protein structure/function; This variant is associated with the following publications: (PMID: 29924869)

Revvity Omics, Revvity
Classification: Uncertain significance. Last evaluated: 2020-03-23. Review status: criteria provided, single submitter. Criteria: ACMG Guidelines, 2015. Collection method: clinical testing. Allele origin: germline.

Ambry Genetics
Classification: Uncertain significance for Inborn genetic diseases. Last evaluated: 2018-08-17. Review status: criteria provided, single submitter. Criteria: Ambry Variant Classification Scheme 2023. Collection method: clinical testing. Allele origin: germline.
Comment: The p.P69L variant (also known as c.206C>T), located in coding exon 4 of the MFSD8 gene, results from a C to T substitution at nucleotide position 206. The proline at codon 69 is replaced by leucine, an amino acid with similar properties. This amino acid position is poorly conserved in available vertebrate species. In addition, this alteration is predicted to be tolerated by in silico analysis. Since supporting evidence is limited at this time, the clinical significance of this alteration remains unclear.

Illumina Laboratory Services, Illumina
Classification: Uncertain significance for Neuronal ceroid lipofuscinosis 7. Last evaluated: 2018-01-13. Review status: criteria provided, single submitter. Criteria: ICSL Variant Classification Criteria 13 December 2019. Collection method: clinical testing. Allele origin: germline.

Eurofins Ntd Llc (ga)
Classification: Uncertain significance. Last evaluated: 2016-03-24. Review status: criteria provided, single submitter. Criteria: EGL Classification Definitions 2015. Collection method: clinical testing. Allele origin: germline. Observed: 2 variant alleles, 2 heterozygotes.

PreventionGenetics, part of Exact Sciences
Classification: Likely benign for MFSD8-related condition. Last evaluated: 2024-09-16. Review status: no assertion criteria provided. Collection method: clinical testing. Allele origin: germline. Not counted in ClinVar's aggregate classification.
Comment: This variant is classified as likely benign based on ACMG/AMP sequence variant interpretation guidelines (Richards et al. 2015 PMID: 25741868, with internal and published modifications).

Literature cited by the submitters: PubMed 29924869 (cited by Ambry Genetics).

NM_001371596.2(MFSD8):c.206C>T (p.Pro69Leu)

Gene: MFSD8 (major facilitator superfamily domain containing 8; minus strand). Cytogenetic location: 4q28.2.
Variant type: single nucleotide variant.
Coding change: c.206C>T on transcript NM_001371596.2 (MANE Select); coding-DNA position 206, C replaced by T.
Protein change: p.Pro69Leu; replaces proline 69 with leucine.
Molecular consequence: missense variant.
Genome position (GRCh38, 1-based): chr4:127,943,985, G>A on the plus strand (C>T on the coding strand, the complement: MFSD8 is on the minus strand). VCF-style: chr4-127943985-G-A. GRCh37 (hg19) VCF-style: chr4-128865140-G-A.
Other names: p.P69L:CCG>CTG; c.206C>T, p.Pro69Leu (NM_001363521.3, NM_001371591.2, NM_001371592.2 and 5 more transcripts); c.71C>T, p.Pro24Leu (NM_001371590.2, NM_001371595.1, NM_001410765.1); c.206C>T (NM_152778.3); short protein forms P69L, P24L.
Identifiers: ClinVar variation 206143 (VCV000206143.32), dbSNP rs147750747, ClinGen allele CA315948.